The following is an entry in ClinVar:

NM_000059.4(BRCA2):c.2737G>T (p.Asp913Tyr)

Gene: BRCA2 (BRCA2 DNA repair associated; plus strand). Cytogenetic location: 13q13.1.
Variant type: single nucleotide variant.
Coding change: c.2737G>T on transcript NM_000059.4 (MANE Select); coding-DNA position 2737, G replaced by T.
Protein change: p.Asp913Tyr; replaces aspartic acid 913 with tyrosine.
Molecular consequence: missense variant. On other transcripts: non-coding transcript variant (1), intron variant (2).
Genome position (GRCh38, 1-based): chr13:32,337,092, G>T. VCF-style: chr13-32337092-G-T. GRCh37 (hg19) VCF-style: chr13-32911229-G-T.
Other names: c.2737G>T, p.Asp913Tyr (NM_001406719.1, NM_001406720.1, NM_001432077.1); c.1909+3705G>T (NM_001406721.1); c.424+6062G>T (NM_001406722.1); short protein forms D913Y.
Identifiers: ClinVar variation 4856505 (VCV004856505.1).

ClinVar aggregate classification (germline): Likely benign (1 of 4 stars; one submission).

Conditions:
Breast-ovarian cancer, familial, susceptibility to, 2 (BROVCA2). Also called: BRCA2 Hereditary Breast and Ovarian Cancer. Identifiers: Orphanet 145, MedGen C2675520, MONDO:0012933, OMIM 612555. Disease mechanism: loss of function.

gnomAD v4.1: 3 of 1,613,432 alleles (0.00019%); highest among the groups gnomAD compares: Non-Finnish European, 0.00025%; no homozygotes.

Submission:

Cancer Bioinformatics and Tumour Evolution Laboratory, Monash University
Classification: Likely benign for Breast-ovarian cancer, familial, susceptibility to, 2. Last evaluated: 2026-05-01. Review status: criteria provided, single submitter. Criteria: ClinGen BRCA1 and BRCA2 Guidelines, 2024. Collection method: curation. Allele origin: germline. Inheritance: Autosomal dominant inheritance.
Comment: PMID: 39281752 - A large scale study to determine the case-control LR of BRCA1 and BRCA2 variants. The data was consolidated in the ccLR browser. This variant was found in the browser with a LR of 0.685179598 which is in the no evidence range according to the BRCA1 and BRCA2 VCEP. Hence, no evidence code is applied. Missense variant outside of a functional domain with no splice impact. BRCA1 and BRCA2 VCEP guidelines recommend application of BP1_Strong (PMID: 39142283)

Literature cited by the submitters: PubMed 39281752.